The following is an entry in ClinVar:

ClinVar aggregate classification (germline): Pathogenic (1 of 4 stars; one submission).

Conditions:
Inborn genetic diseases. Identifiers: MedGen C0950123, MeSH D030342.

Submission:

Ambry Genetics
Classification: Pathogenic for Inborn genetic diseases. Last evaluated: 2026-01-13. Review status: criteria provided, single submitter. Criteria: Ambry Variant Classification Scheme 2023. Collection method: clinical testing. Allele origin: germline.
Comment: The c.731delA alteration, located in exon 10 (coding exon 9) of the EFTUD2 gene, consists of a deletion of one nucleotide at position 731, causing a translational frameshift with a predicted alternate stop codon after 20 amino acids. This alteration is expected to result in loss of function by premature protein truncation or nonsense-mediated mRNA decay. This variant was not reported in population-based cohorts in the Genome Aggregation Database (gnomAD). Based on the available evidence, this alteration is classified as pathogenic.

NM_004247.4(EFTUD2):c.731del (p.Lys244fs)

Gene: EFTUD2 (elongation factor Tu GTP binding domain containing 2; minus strand). Cytogenetic location: 17q21.31.
Variant type: Deletion.
Coding change: c.731del on transcript NM_004247.4 (MANE Select); coding-DNA position 731, one base deleted (A; older notation c.731delA).
Protein change: p.Lys244fs; shifts the reading frame from lysine 244.
Molecular consequence: frameshift variant.
Genome position (GRCh38, 1-based): chr17:44,876,072, T deleted on the plus strand (A on the coding strand, the reverse complement: EFTUD2 is on the minus strand); the first of 2 consecutive T bases (chr17:44,876,072-44,876,073); deleting either gives the same sequence. VCF-style (leftmost placement, unchanged base first): chr17-44876071-CT-C. GRCh37 (hg19) VCF-style: chr17-42953439-CT-C.
Other names: c.626del, p.Lys209fs (NM_001142605.2); c.731del, p.Lys244fs (NM_001258353.2); c.701del, p.Lys234fs (NM_001258354.2); short protein forms K209fs, K234fs, K244fs.
Identifiers: ClinVar variation 4838798 (VCV004838798.1).